The following is an entry in ClinVar:

NM_004385.5(VCAN):c.6206C>T (p.Thr2069Met)

Genes: VCAN (versican; plus strand), VCAN-AS1 (VCAN antisense RNA 1; minus strand). Cytogenetic location: 5q14.3.
Variant type: single nucleotide variant.
Coding change: c.6206C>T on transcript NM_004385.5 (MANE Select); coding-DNA position 6206, C replaced by T.
Protein change: p.Thr2069Met; replaces threonine 2069 with methionine.
Molecular consequence: missense variant. On other transcripts: intron variant (2).
Genome position (GRCh38, 1-based): chr5:83,539,209, C>T. VCF-style: chr5-83539209-C-T. GRCh37 (hg19) VCF-style: chr5-82835028-C-T.
Other names: c.6206C>T (NM_004385.4); c.3245C>T, p.Thr1082Met (NM_001164097.2); c.4004-6328C>T (NM_001164098.2); c.1043-6328C>T (NM_001126336.3); short protein forms T1082M, T2069M.
Identifiers: ClinVar variation 1044610 (VCV001044610.11), dbSNP rs371500390, ClinGen allele CA3333454.
Genomic context (GRCh38, chr5:83,539,209, plus strand): 5'-GTACTGTCAATGAAATTGATAGAAGATCCACCATTTTACCAACAGCAGAAGTGGAAGGTA[C>T]GAAAGCTCCAGTAGAGAAGGAGGAAGTAAAGGTCAGTGGCACAGTTTCAACAAACTTTCC-3'
Protein context (NP_004376.2, residues 2059-2079): TILPTAEVEG[Thr2069Met]KAPVEKEEVK

ClinVar aggregate classification (germline): Conflicting classifications of pathogenicity. Review status: criteria provided, conflicting classifications (1 of 4 stars). 3 submissions from 3 submitters: Uncertain significance (2); Likely benign (1). Last evaluated 2025-12-22.

Conditions:
Inborn genetic diseases. Identifiers: MedGen C0950123, MeSH D030342.

Allele frequency attached by ClinVar (database versions not stated): gnomAD 0.00004 and 0.00005; gnomAD exomes 0.00005 and 0.00008; TOPMed 0.00006; ESP Exome Variant Server 0.00008; ExAC 0.00009; 1000 Genomes Project 30x 0.00031; 1000 Genomes Project 0.00040.
gnomAD v4.1: 76 of 1,613,880 alleles (0.0047%); highest among the groups gnomAD compares: Middle Eastern, 0.033%; 1 homozygote.

Submissions (3):

Ambry Genetics
Classification: Uncertain significance for Inborn genetic diseases. Last evaluated: 2025-12-22. Review status: criteria provided, single submitter. Criteria: Ambry Variant Classification Scheme 2023. Collection method: clinical testing. Allele origin: germline.

Labcorp Genetics (formerly Invitae), Labcorp
Classification: Uncertain significance. Last evaluated: 2024-11-25. Review status: criteria provided, single submitter. Criteria: Invitae Variant Classification Sherloc (09022015). Collection method: clinical testing. Allele origin: germline.
Comment: This sequence change replaces threonine, which is neutral and polar, with methionine, which is neutral and non-polar, at codon 2069 of the VCAN protein (p.Thr2069Met). This variant is present in population databases (rs371500390, gnomAD 0.03%). This variant has not been reported in the literature in individuals affected with VCAN-related conditions. ClinVar contains an entry for this variant (Variation ID: 1044610). An algorithm developed to predict the effect of missense changes on protein structure and function outputs the following: PolyPhen-2: "Benign". The methionine amino acid residue is found in multiple mammalian species, which suggests that this missense change does not adversely affect protein function. In summary, the available evidence is currently insufficient to determine the role of this variant in disease. Therefore, it has been classified as a Variant of Uncertain Significance.

Blueprint Genetics
Classification: Likely benign. Last evaluated: 2024-08-29. Review status: criteria provided, single submitter. Criteria: ACMG Guidelines, 2015. Collection method: clinical testing. Allele origin: germline.